The following is an entry in ClinVar:

NM_201384.3(PLEC):c.5507C>G (p.Ala1836Gly)

Gene: PLEC (plectin; minus strand). Cytogenetic location: 8q24.3.
Variant type: single nucleotide variant.
Coding change: c.5507C>G on transcript NM_201384.3 (MANE Select); coding-DNA position 5507, C replaced by G.
Protein change: p.Ala1836Gly; replaces alanine 1836 with glycine.
Molecular consequence: missense variant.
Genome position (GRCh38, 1-based): chr8:143,924,422, G>C on the plus strand (C>G on the coding strand, the complement: PLEC is on the minus strand). VCF-style: chr8-143924422-G-C. GRCh37 (hg19) VCF-style: chr8-144998590-G-C.
Other names: c.5588C>G, p.Ala1863Gly (NM_000445.5); c.5465C>G, p.Ala1822Gly (NM_201378.4); c.5441C>G, p.Ala1814Gly (NM_201379.3); c.5918C>G, p.Ala1973Gly (NM_201380.4); c.5411C>G, p.Ala1804Gly (NM_201381.3); c.5507C>G, p.Ala1836Gly (NM_201382.4); c.5519C>G, p.Ala1840Gly (NM_201383.3); short protein forms A1822G, A1840G, A1836G, A1863G, A1804G, A1814G, A1973G.
Identifiers: ClinVar variation 852122 (VCV000852122.7), dbSNP rs782216341, ClinGen allele CA372544398.

ClinVar aggregate classification (germline): Uncertain significance (1 of 4 stars; one submission).

Conditions:
Autosomal recessive limb-girdle muscular dystrophy type 2Q (LGMDR17). Also called: MUSCULAR DYSTROPHY, LIMB-GIRDLE, AUTOSOMAL RECESSIVE 17. Identifiers: Orphanet 254361, MedGen C3150989, MONDO:0013390, OMIM 613723.
Epidermolysis bullosa simplex 5B, with muscular dystrophy (EBS5B). Also called: Epidermolysis bullosa simplex with muscular dystrophy; EPIDERMOLYSIS BULLOSA SIMPLEX AND LIMB-GIRDLE MUSCULAR DYSTROPHY. Identifiers: Orphanet 257, MedGen C2931072, MONDO:0009181, OMIM 226670.
Epidermolysis bullosa simplex, Ogna type (EBS5A). Also called: Pidermolysis bullosa simplex 5A, Ogna type; EPIDERMOLYSIS BULLOSA SIMPLEX 5A, OGNA TYPE. Identifiers: Orphanet 79401, MedGen C0432317, MONDO:0007555, OMIM 131950.
Epidermolysis bullosa simplex 5C, with pyloric atresia (EBS5C). Also called: PLEC1-Related Epidermolysis Bullosa with Pyloric Atresia; Epidermolysis bullosa simplex with pyloric atresia; PLEC-Related Epidermolysis Bullosa with Pyloric Atresia. Identifiers: Orphanet 158684, MedGen C2677349, MONDO:0012807, OMIM 612138.
Epidermolysis bullosa simplex with nail dystrophy (EBS5D). Identifiers: MedGen C4225309, MONDO:0014661, OMIM 616487.

gnomAD v4.1: 4 of 1,589,546 alleles (0.00025%); highest among the groups gnomAD compares: Non-Finnish European, 0.00034%; no homozygotes.

Submission:

Labcorp Genetics (formerly Invitae), Labcorp
Classification: Uncertain significance for Autosomal recessive limb-girdle muscular dystrophy type 2Q; Epidermolysis bullosa simplex, Ogna type; Epidermolysis bullosa simplex with nail dystrophy; Epidermolysis bullosa simplex 5C, with pyloric atresia; Epidermolysis bullosa simplex 5B, with muscular dystrophy. Last evaluated: 2024-09-09. Review status: criteria provided, single submitter. Criteria: Invitae Variant Classification Sherloc (09022015). Collection method: clinical testing. Allele origin: germline.
Comment: This sequence change replaces alanine, which is neutral and non-polar, with glycine, which is neutral and non-polar, at codon 1863 of the PLEC protein (p.Ala1863Gly). This variant is not present in population databases (gnomAD no frequency). This variant has not been reported in the literature in individuals affected with PLEC-related conditions. ClinVar contains an entry for this variant (Variation ID: 852122). Experimental studies and prediction algorithms are not available or were not evaluated, and the functional significance of this variant is currently unknown. In summary, the available evidence is currently insufficient to determine the role of this variant in disease. Therefore, it has been classified as a Variant of Uncertain Significance.